The following is an entry in ClinVar:

ClinVar aggregate classification (germline): Likely pathogenic (1 of 4 stars; one submission).

Submission:

GeneDx
Classification: Likely pathogenic. Last evaluated: 2023-12-21. Review status: criteria provided, single submitter. Criteria: GeneDx Variant Classification Process June 2021. Collection method: clinical testing. Allele origin: germline. Affected: yes.
Comment: Not observed in large population cohorts (gnomAD); In silico analysis supports that this missense variant has a deleterious effect on protein structure/function; Has not been previously published as pathogenic or benign to our knowledge

NM_024665.7(TBL1XR1):c.800G>T (p.Gly267Val)

Genes: TBL1XR1 (TBL1X/Y related 1; minus strand), TBL1XR1-AS1 (TBL1XR1 antisense RNA 1; plus strand). Cytogenetic location: 3q26.32.
Variant type: single nucleotide variant.
Coding change: c.800G>T on transcript NM_024665.7 (MANE Select); coding-DNA position 800, G replaced by T.
Protein change: p.Gly267Val; replaces glycine 267 with valine.
Molecular consequence: missense variant.
Genome position (GRCh38, 1-based): chr3:177,047,364, C>A on the plus strand (G>T on the coding strand, the complement: TBL1XR1 is on the minus strand). VCF-style: chr3-177047364-C-A. GRCh37 (hg19) VCF-style: chr3-176765152-C-A.
Other names: c.800G>T, p.Gly267Val (NM_001321193.3, NM_001321194.3, NM_001374327.1 and 2 more transcripts); c.539G>T, p.Gly180Val (NM_001321195.3, NM_001374330.1); short protein forms G180V, G267V.
Identifiers: ClinVar variation 1312264 (VCV001312264.3), dbSNP rs2108479532, ClinGen allele CA355552127.
Genomic context (GRCh38, chr3:177,047,364, plus strand): 5'-TCTACTCCAGCACTTAGGATGAAATTTCCTTTCTTATTCCATTTTAATGCAAATATAGGG[C>A]CTTTATGCTGCCCTAAGGTGCTAGCAAGGTTACCTAAAATGCAAAAGAAAAACATTAACA-3'
Protein context (NP_078941.2, residues 257-277): NLASTLGQHK[Gly267Val]PIFALKWNKK